The following is an entry in ClinVar:

ClinVar aggregate classification (germline): Conflicting classifications of pathogenicity. Review status: criteria provided, conflicting classifications (1 of 4 stars). 2 submissions from 2 submitters: Uncertain significance (1); Likely benign (1). Last evaluated 2025-06-06.

Conditions:
Cardiovascular phenotype. Identifiers: MedGen CN230736.

gnomAD v4.1: 14 of 1,613,900 alleles (0.00087%); highest among the groups gnomAD compares: African/African-American, 0.0013%; no homozygotes.

Submissions (2):

Ambry Genetics
Classification: Likely benign for Cardiovascular phenotype. Last evaluated: 2025-06-06. Review status: criteria provided, single submitter. Criteria: Ambry Variant Classification Scheme 2023. Collection method: clinical testing. Allele origin: germline.

GeneDx
Classification: Uncertain significance. Last evaluated: 2024-03-06. Review status: criteria provided, single submitter. Criteria: GeneDx Variant Classification Process June 2021. Collection method: clinical testing. Allele origin: germline. Affected: yes.
Comment: Has not been previously published as pathogenic or benign to our knowledge; Not observed at significant frequency in large population cohorts (gnomAD); In silico analysis supports that this missense variant does not alter protein structure/function

NM_001365276.2(TNXB):c.2191G>A (p.Asp731Asn)

Gene: TNXB (tenascin XB; minus strand). Cytogenetic location: 6p21.33.
Variant type: single nucleotide variant.
Coding change: c.2191G>A on transcript NM_001365276.2 (MANE Select); coding-DNA position 2191, G replaced by A.
Protein change: p.Asp731Asn; replaces aspartic acid 731 with asparagine.
Molecular consequence: missense variant.
Genome position (GRCh38, 1-based): chr6:32,095,662, C>T on the plus strand (G>A on the coding strand, the complement: TNXB is on the minus strand). VCF-style: chr6-32095662-C-T. GRCh37 (hg19) VCF-style: chr6-32063439-C-T.
Other names: c.2191G>A, p.Asp731Asn (NM_001428335.1, NM_019105.8); short protein forms D731N.
Identifiers: ClinVar variation 3373735 (VCV003373735.2).